The following is an entry in ClinVar:

ClinVar aggregate classification (germline): Uncertain significance (1 of 4 stars; one submission).

Conditions:
Mucopolysaccharidosis, MPS-IV-B (MPS4B). Also called: MORQUIO SYNDROME B; Mucopolysaccharidosis Type IVB (Morquio B Disease); Mucopolysaccharidosis type 4B; Mucopolysaccharidosis type IVB (Morquio); MPS IVB; Mucopolysaccharidosis type IV B. Identifiers: Orphanet 309310, Orphanet 582, MedGen C0086652, MONDO:0009660, OMIM 253010.
GM1 gangliosidosis. Identifiers: Orphanet 354, MedGen C0085131, MONDO:0018149.

Allele frequency attached by ClinVar (database versions not stated): TOPMed below 0.00001; gnomAD exomes 0.00001.
gnomAD v4.1: 2 of 1,612,528 alleles (0.00012%); highest among the groups gnomAD compares: Admixed American, 0.0033%; no homozygotes.

Submission:

Labcorp Genetics (formerly Invitae), Labcorp
Classification: Uncertain significance for Mucopolysaccharidosis, MPS-IV-B; GM1 gangliosidosis. Last evaluated: 2022-10-13. Review status: criteria provided, single submitter. Criteria: Invitae Variant Classification Sherloc (09022015). Collection method: clinical testing. Allele origin: germline.
Comment: This sequence change replaces arginine, which is basic and polar, with proline, which is neutral and non-polar, at codon 7 of the GLB1 protein (p.Arg7Pro). This variant is present in population databases (no rsID available, gnomAD 0.006%). This variant has not been reported in the literature in individuals affected with GLB1-related conditions. ClinVar contains an entry for this variant (Variation ID: 1363728). Algorithms developed to predict the effect of missense changes on protein structure and function output the following: SIFT: "Tolerated"; PolyPhen-2: "Possibly Damaging"; Align-GVGD: "Class C0". The proline amino acid residue is found in multiple mammalian species, which suggests that this missense change does not adversely affect protein function. In summary, the available evidence is currently insufficient to determine the role of this variant in disease. Therefore, it has been classified as a Variant of Uncertain Significance.

NM_000404.4(GLB1):c.20G>C (p.Arg7Pro)

Genes: TMPPE (transmembrane protein with metallophosphoesterase domain; minus strand), GLB1 (galactosidase beta 1; minus strand), LOC129936434 (ATAC-STARR-seq lymphoblastoid silent region 14182; plus strand). Cytogenetic location: 3p22.3.
Variant type: single nucleotide variant.
Coding change: c.20G>C on transcript NM_000404.4 (MANE Select); coding-DNA position 20, G replaced by C.
Protein change: p.Arg7Pro; replaces arginine 7 with proline.
Molecular consequence: missense variant. On other transcripts: 5 prime UTR variant (2).
Genome position (GRCh38, 1-based): chr3:33,097,066, C>G on the plus strand (G>C on the coding strand, the complement: GLB1 is on the minus strand). VCF-style: chr3-33097066-C-G. GRCh37 (hg19) VCF-style: chr3-33138558-C-G.
Other names: c.20G>C, p.Arg7Pro (NM_001135602.3, NM_001317040.2, NM_001393580.1); c.-456G>C (NM_001039770.3); c.-352G>C (NM_001136238.2); short protein forms R7P.
Identifiers: ClinVar variation 1363728 (VCV001363728.3), dbSNP rs1484753571, ClinGen allele CA352007522.